The following is an entry in ClinVar:

NM_000271.5(NPC1):c.2126A>T (p.Tyr709Phe)

Gene: NPC1 (NPC intracellular cholesterol transporter 1; minus strand). Cytogenetic location: 18q11.2.
Variant type: single nucleotide variant.
Coding change: c.2126A>T on transcript NM_000271.5 (MANE Select); coding-DNA position 2126, A replaced by T.
Protein change: p.Tyr709Phe; replaces tyrosine 709 with phenylalanine.
Molecular consequence: missense variant.
Genome position (GRCh38, 1-based): chr18:23,544,348, T>A on the plus strand (A>T on the coding strand, the complement: NPC1 is on the minus strand). VCF-style: chr18-23544348-T-A. GRCh37 (hg19) VCF-style: chr18-21124312-T-A.
Other names: c.2126A>T (NM_000271.4); short protein forms Y709F.
Identifiers: ClinVar variation 2166739 (VCV002166739.4), dbSNP rs769516923, ClinGen allele CA8913225.

ClinVar aggregate classification (germline): Uncertain significance. Review status: criteria provided, multiple submitters, no conflicts (2 of 4 stars). 2 submissions from 2 submitters: Uncertain significance (2). Last evaluated 2025-09-28.

Conditions:
Inborn genetic diseases. Identifiers: MedGen C0950123, MeSH D030342.
Niemann-Pick disease, type C1. Also called: NEUROVISCERAL STORAGE DISEASE WITH VERTICAL SUPRANUCLEAR OPHTHALMOPLEGIA; NIEMANN-PICK DISEASE WITH CHOLESTEROL ESTERIFICATION BLOCK; NIEMANN-PICK DISEASE WITHOUT SPHINGOMYELINASE DEFICIENCY; NIEMANN-PICK DISEASE, CHRONIC NEURONOPATHIC FORM; NIEMANN-PICK DISEASE, VARIANT TYPE C1. Identifiers: Orphanet 646, MedGen C3179455, MONDO:0009757, OMIM 257220.

Allele frequency attached by ClinVar (database versions not stated): gnomAD exomes 0.00001; ExAC 0.00005; gnomAD 0.00007.
gnomAD v4.1: 15 of 1,613,934 alleles (0.00093%); highest among the groups gnomAD compares: African/African-American, 0.02%; no homozygotes.

Submissions (2):

Ambry Genetics
Classification: Uncertain significance for Inborn genetic diseases. Last evaluated: 2025-09-28. Review status: criteria provided, single submitter. Criteria: Ambry Variant Classification Scheme 2023. Collection method: clinical testing. Allele origin: germline.

Labcorp Genetics (formerly Invitae), Labcorp
Classification: Uncertain significance for Niemann-Pick disease, type C1. Last evaluated: 2022-08-20. Review status: criteria provided, single submitter. Criteria: Invitae Variant Classification Sherloc (09022015). Collection method: clinical testing. Allele origin: germline.
Comment: This sequence change replaces tyrosine, which is neutral and polar, with phenylalanine, which is neutral and non-polar, at codon 709 of the NPC1 protein (p.Tyr709Phe). This variant is present in population databases (rs769516923, gnomAD 0.03%). This variant has not been reported in the literature in individuals affected with NPC1-related conditions. Advanced modeling of protein sequence and biophysical properties (such as structural, functional, and spatial information, amino acid conservation, physicochemical variation, residue mobility, and thermodynamic stability) performed at Invitae indicates that this missense variant is not expected to disrupt NPC1 protein function. In summary, the available evidence is currently insufficient to determine the role of this variant in disease. Therefore, it has been classified as a Variant of Uncertain Significance.